The following is an entry in ClinVar:

NM_000069.3(CACNA1S):c.3607G>A (p.Asp1203Asn)

Gene: CACNA1S (calcium voltage-gated channel subunit alpha1 S; minus strand). Cytogenetic location: 1q32.1.
Variant type: single nucleotide variant.
Coding change: c.3607G>A on transcript NM_000069.3 (MANE Select); coding-DNA position 3607, G replaced by A.
Protein change: p.Asp1203Asn; replaces aspartic acid 1203 with asparagine.
Molecular consequence: missense variant.
Genome position (GRCh38, 1-based): chr1:201,058,410, C>T on the plus strand (G>A on the coding strand, the complement: CACNA1S is on the minus strand). VCF-style: chr1-201058410-C-T. GRCh37 (hg19) VCF-style: chr1-201027538-C-T.
Other names: c.3607G>A (NM_000069.2); short protein forms D1203N.
Identifiers: ClinVar variation 2059275 (VCV002059275.7), dbSNP rs367956917, ClinGen allele CA082637.

ClinVar aggregate classification (germline): Uncertain significance. Review status: criteria provided, multiple submitters, no conflicts (2 of 4 stars). 8 submissions from 5 submitters: Uncertain significance (8). Last evaluated 2025-10-06.

Conditions:
Thyrotoxic periodic paralysis, susceptibility to, 1 (TTPP1). Identifiers: Orphanet 79102, MedGen C2749982, MONDO:0008570, OMIM 188580.
Hypokalemic periodic paralysis, type 1. Also called: HypoPP; Hypokalemic Periodic Paralysis Type 1 (AD). Identifiers: Orphanet 681, MedGen C3714580, MONDO:0042979, OMIM 170400.
Malignant hyperthermia, susceptibility to, 5 (MHS5). Also called: CACNA1S-Related Malignant Hyperthermia Susceptibility. Identifiers: Orphanet 423, MedGen C1866077, MONDO:0011163, OMIM 601887.
Inborn genetic diseases. Identifiers: MedGen C0950123, MeSH D030342.
Congenital myopathy 18. Also called: DIHYDROPYRIDINE RECEPTOR CONGENITAL MYOPATHY; DHPR CONGENITAL MYOPATHY; Myopathy, congenital, due to dihydropyridine receptor defect. Identifiers: MedGen C5830283, MONDO:0859514, OMIM 620246.

Allele frequency attached by ClinVar (database versions not stated): ExAC 0.00002; gnomAD 0.00003; gnomAD exomes 0.00004; TOPMed 0.00005; ESP Exome Variant Server 0.00008.
gnomAD v4.1: 56 of 1,613,262 alleles (0.0035%); highest among the groups gnomAD compares: Non-Finnish European, 0.0046%; no homozygotes.

Submissions (8):

Labcorp Genetics (formerly Invitae), Labcorp
Classification: Uncertain significance for Hypokalemic periodic paralysis, type 1; Malignant hyperthermia, susceptibility to, 5. Last evaluated: 2025-10-06. Review status: criteria provided, single submitter. Criteria: Invitae Variant Classification Sherloc (09022015). Collection method: clinical testing. Allele origin: germline.
Comment: This sequence change replaces aspartic acid, which is acidic and polar, with asparagine, which is neutral and polar, at codon 1203 of the CACNA1S protein (p.Asp1203Asn). This variant is present in population databases (rs367956917, gnomAD 0.005%). This variant has not been reported in the literature in individuals affected with CACNA1S-related conditions. ClinVar contains an entry for this variant (Variation ID: 2059275). Invitae Evidence Modeling of protein sequence and biophysical properties (such as structural, functional, and spatial information, amino acid conservation, physicochemical variation, residue mobility, and thermodynamic stability) indicates that this missense variant is not expected to disrupt CACNA1S protein function with a negative predictive value of 95%. In summary, the available evidence is currently insufficient to determine the role of this variant in disease. Therefore, it has been classified as a Variant of Uncertain Significance.

Color Diagnostics, LLC DBA Color Health
Classification: Uncertain significance for Malignant hyperthermia, susceptibility to, 5. Last evaluated: 2025-09-22. Review status: criteria provided, single submitter. Criteria: ACMG Guidelines, 2015. Collection method: clinical testing. Allele origin: germline.
Comment: This missense variant replaces aspartic acid with asparagine at codon 1203 of the CACNA1S protein. Computational prediction suggests that this variant may not impact protein structure and function. To our knowledge, functional studies have not been reported for this variant. This variant has not been reported in individuals affected with CACNA1S-related disorders in the literature. This variant has been identified in 5/282872 chromosomes in the general population by the Genome Aggregation Database (gnomAD). The available evidence is insufficient to determine the role of this variant in disease conclusively. Therefore, this variant is classified as a Variant of Uncertain Significance.

Fulgent Genetics
Classification: Uncertain significance for Hypokalemic periodic paralysis, type 1; Thyrotoxic periodic paralysis, susceptibility to, 1; Malignant hyperthermia, susceptibility to, 5; Congenital myopathy 18. Last evaluated: 2023-12-28. Review status: criteria provided, single submitter. Criteria: ACMG Guidelines, 2015. Collection method: clinical testing. Allele origin: germline.

Ambry Genetics
Classification: Uncertain significance for Inborn genetic diseases. Last evaluated: 2023-08-28. Review status: criteria provided, single submitter. Criteria: Ambry Variant Classification Scheme 2023. Collection method: clinical testing. Allele origin: germline.

Genome-Nilou Lab
Classification: Uncertain significance for Malignant hyperthermia, susceptibility to, 5. Last evaluated: 2023-04-11. Review status: criteria provided, single submitter. Criteria: ACMG Guidelines, 2015. Collection method: clinical testing. Allele origin: germline. Affected: no.

Genome-Nilou Lab
Classification: Uncertain significance for Thyrotoxic periodic paralysis, susceptibility to, 1. Last evaluated: 2023-04-11. Review status: criteria provided, single submitter. Criteria: ACMG Guidelines, 2015. Collection method: clinical testing. Allele origin: germline. Affected: no.

Genome-Nilou Lab
Classification: Uncertain significance for Congenital myopathy 18. Last evaluated: 2023-04-11. Review status: criteria provided, single submitter. Criteria: ACMG Guidelines, 2015. Collection method: clinical testing. Allele origin: germline. Affected: no.

Genome-Nilou Lab
Classification: Uncertain significance for Hypokalemic periodic paralysis, type 1. Last evaluated: 2023-04-11. Review status: criteria provided, single submitter. Criteria: ACMG Guidelines, 2015. Collection method: clinical testing. Allele origin: germline. Affected: no.